The following is an entry in ClinVar:

NM_052947.4(ALPK2):c.6364A>G (p.Asn2122Asp)

Gene: ALPK2 (alpha kinase 2; minus strand). Cytogenetic location: 18q21.31.
Variant type: single nucleotide variant.
Coding change: c.6364A>G on transcript NM_052947.4 (MANE Select); coding-DNA position 6364, A replaced by G.
Protein change: p.Asn2122Asp; replaces asparagine 2122 with aspartic acid.
Molecular consequence: missense variant.
Genome position (GRCh38, 1-based): chr18:58,481,972, T>C on the plus strand (A>G on the coding strand, the complement: ALPK2 is on the minus strand). VCF-style: chr18-58481972-T-C. GRCh37 (hg19) VCF-style: chr18-56149204-T-C.
Other names: short protein forms N2122D.
Identifiers: ClinVar variation 3228854 (VCV003228854.1), dbSNP rs2051313873, ClinGen allele CA402538657.

ClinVar aggregate classification (germline): Uncertain significance (1 of 4 stars; one submission).

Submission:

Ambry Genetics
Classification: Uncertain significance. Last evaluated: 2023-10-20. Review status: criteria provided, single submitter. Criteria: Ambry Variant Classification Scheme 2023. Collection method: clinical testing. Allele origin: germline.
Comment: The p.N2122D variant (also known as c.6364A>G), located in coding exon 12 of the ALPK2 gene, results from an A to G substitution at nucleotide position 6364. The asparagine at codon 2122 is replaced by aspartic acid, an amino acid with highly similar properties. This amino acid position is conserved. In addition, this alteration is predicted to be tolerated by in silico analysis. Since supporting evidence is limited at this time, the clinical significance of this alteration remains unclear.